The following is an entry in ClinVar:

ClinVar aggregate classification (germline): Likely pathogenic. Review status: reviewed by expert panel (3 of 4 stars). 10 submissions from 10 submitters: Likely pathogenic (1). 9 of the submissions do not count toward it. Last evaluated 2024-12-05.

Conditions:
Hurler syndrome. Also called: MUCOPOLYSACCHARIDOSIS TYPE IH; Severe MPS I (Hurler Syndrome); Gargoylism, Hurler Syndrome. Identifiers: Orphanet 93473, MedGen C0086795, MONDO:0011758, OMIM 607014.
Mucopolysaccharidosis, MPS-I-S. Also called: MPS V; MUCOPOLYSACCHARIDOSIS TYPE V; MUCOPOLYSACCHARIDOSIS TYPE IS; Scheie Syndrome. Identifiers: Orphanet 93474, MedGen C0026708, MONDO:0011760, OMIM 607016.
Mucopolysaccharidosis, MPS-I-H/S. Also called: Mucopolysaccharidosis type IH/S. Identifiers: Orphanet 93476, MedGen C0086431, MONDO:0011759, OMIM 607015.
Mucopolysaccharidosis type 1. Also called: Mucopolysaccharidosis Type I; IDUA deficiency; MPS I. Identifiers: Orphanet 579, MedGen C0023786, MONDO:0001586.

Allele frequency attached by ClinVar (database versions not stated): TOPMed below 0.00001; gnomAD exomes 0.00001; ExAC 0.00004.
gnomAD v4.1: 4 of 1,511,094 alleles (0.00026%); highest among the groups gnomAD compares: Non-Finnish European, 0.00035%; no homozygotes.

Submissions (10):

ClinGen Lysosomal Storage Disorder Variant Curation Expert Panel
Classification: Likely pathogenic for Mucopolysaccharidosis type 1. Last evaluated: 2024-12-05. Review status: reviewed by expert panel. Criteria: ClinGen LSD ACMG Specifications IDUA V1.0.0. Collection method: curation. Allele origin: germline. Inheritance: Autosomal recessive inheritance.
Comment: The NM_000203.5:c.1487C>G variant in IDUA is a missense variant predicted to cause substitution of Proline by Arginine at amino acid 496 p.(Pro496Arg). At least 8 patients are compound heterozygous for the variant and another variant in IDUA that has been classified as pathogenic or likely pathogenic by the ClinGen LD VCEP including c.793G>C (p.Gly265Arg) (ClinVar Variation ID: 638074) (PMID: 21394825, LP, 0.25), c.152G>A (p.Gly51Asp) (ClinVar Variation ID: 193061) (PMID: 21394825, P, 2 x 0.5), c.208C>T (p.Gln70Ter) (ClinVar Variation ID: 11909) (PMID: 21394825, P, 4 patients, max 2 x 0.5), and c.1598C>G (p.Pro533Arg) (PMID: 34408967, P, 0.5 points). One individual is homozygous for the variant (PMID: 34408967, 0.5 points). This variant has also been reported in compound heterozygosity with p.Arg89Trp (PMID: 21394825), c.1727+1G>A (PMID: 21394825), c.1854C>A (p.Tyr618Ter) (PMID: 27520059) and c.878_889dup (PMID 28752568). The allelic data from these patients will be used in the subsequent classification of then second variant and is not included here to avoid circular logic. Total 3.25 points (PM3_Strong). In one report (PMID: 27520059), there was evidence of decreased IDUA enzyme activity, increased urine glycosaminoglycans and a specific clinical phenotype, allowing for application of PP4_Moderate. The highest population minor allele frequency in gnomAD v4.1.0. is 0.000003515 (4/1137936 alleles) in the European (non-Finnish) population, which is lower than the ClinGen Lysosomal Diseases VCEP’s threshold for PM2_Supporting (<0.00025), meeting this criterion (PM2_Supporting). and has some experimental evidence suggesting absence of IDUA activity when the variant is expressed in Cos-7 cells (PMID: 11735025) (PS3_Supporting). Computational predictor tools (REVEL score 0.72) suggest that this variant may be deleterious to IDUA function (PP3). A different missense variant, c.1487C>G (p.Pro496Leu) [ClinVar Variation ID 551675] in the same codon has been classified as likely pathogenic for MPS I by the ClinGen VCEP, however PM5 was not assigned to avoid circular logic. There is a ClinVar entry for this variant (Variation ID: 496861). In summary, this variant meets the criteria to be classified as likely pathogenic for MPS I based on the ACMG/AMP criteria applied, as specified by the ClinGen Lysosomal Diseases Variant Curation Expert panel: PM3_Strong, PP4_Moderate. PS3_Supporting, PM2_Supporting, PP3. (Classification approved by the ClinGen Lysosomal Diseases Variant Curation Expert Panel on December 5, 2024)

Natera, Inc.
Classification: Pathogenic for Mucopolysaccharidosis type I. Last evaluated: 2025-05-21. Review status: criteria provided, single submitter. Criteria: Natera Variant Classification Schema (03/2026). Collection method: clinical testing. Allele origin: germline. Not counted in ClinVar's aggregate classification.
Comment: The c.1487C>G variant in IDUA is a missense variant predicted to cause substitution of proline to arginine at amino acid 496. This variant is rare in the general population with a frequency below the threshold expected for the associated phenotype(s). This variant has been observed in one or more individuals affected with the associated recessive disease, as either homozygous or compound heterozygous with a second variant (PMID: 27520059, 21394825). Computational prediction algorithms indicate this variant is likely to affect gene or protein function. Given the available evidence, this variant is classified as Pathogenic.

Fulgent Genetics
Classification: Likely pathogenic for Hurler syndrome; Mucopolysaccharidosis, MPS-I-H/S; Mucopolysaccharidosis, MPS-I-S. Last evaluated: 2024-05-06. Review status: criteria provided, single submitter. Criteria: ACMG Guidelines, 2015. Collection method: clinical testing. Allele origin: germline. Not counted in ClinVar's aggregate classification.

Labcorp Genetics (formerly Invitae), Labcorp
Classification: Pathogenic for Mucopolysaccharidosis type 1. Last evaluated: 2024-01-11. Review status: criteria provided, single submitter. Criteria: Invitae Variant Classification Sherloc (09022015). Collection method: clinical testing. Allele origin: germline. Not counted in ClinVar's aggregate classification.
Comment: This sequence change replaces proline, which is neutral and non-polar, with arginine, which is basic and polar, at codon 496 of the IDUA protein (p.Pro496Arg). This variant is present in population databases (rs772416503, gnomAD 0.003%). This missense change has been observed in individual(s) with Hurler syndrome (PMID: 21394825, 27520059). ClinVar contains an entry for this variant (Variation ID: 496861). Advanced modeling of protein sequence and biophysical properties (such as structural, functional, and spatial information, amino acid conservation, physicochemical variation, residue mobility, and thermodynamic stability) performed at Invitae indicates that this missense variant is expected to disrupt IDUA protein function with a positive predictive value of 95%. Experimental studies have shown that this missense change affects IDUA function (PMID: 11735025). For these reasons, this variant has been classified as Pathogenic.

Revvity Omics, Revvity
Classification: Pathogenic. Last evaluated: 2022-07-15. Review status: criteria provided, single submitter. Criteria: ACMG Guidelines, 2015. Collection method: clinical testing. Allele origin: germline. Not counted in ClinVar's aggregate classification.

Broad Center for Mendelian Genomics, Broad Institute of MIT and Harvard
Classification: Pathogenic for Mucopolysaccharidosis type 1. Last evaluated: 2020-01-13. Review status: criteria provided, single submitter. Criteria: ACMG Guidelines, 2015. Collection method: curation. Allele origin: germline. Inheritance: Autosomal recessive inheritance. Not counted in ClinVar's aggregate classification.
Comment: The p.Pro496Arg variant in IDUA has been reported in at least 13 individuals with mucopolysaccharidosis (MPS) (PMID: 21394825, 28752568, 27520059) and has been identified in 0.003% (2/66872) of European (non-Finnish) chromosomes by the Genome Aggregation Database (gnomAD; dbSNP rs772416503). Although this variant has been seen in the general population, its frequency is low enough to be consistent with a recessive carrier frequency. This variant has also been reported in ClinVar (VariationID: 496861) as pathogenic by Counsyl, EGL Genetic Diagnostics, and Integrated Genetics. In vitro functional studies provide some evidence that the p.Pro496Arg variant may impact protein function (PMID: 11735025). However, these types of assays may not accurately represent biological function. Computational prediction tools and conservation analyses suggest that this variant may impact the protein, though this information is not predictive enough to determine pathogenicity. The presence of this variant in combination with reported pathogenic variants and in at least 8 individuals with MPS increases the likelihood that the p.Pro496Arg variant is pathogenic (VariationID: 193061, 11909, 11908; PMID: 21394825, 28752568). One additional likely pathogenic variant, resulting in a different amino acid change at the same position, p.Pro496Leu, has been reported in association with disease in the literature and ClinVar, slightly supporting that a change at this position may not be tolerated (PMID: 7550232; Variation ID: 551675). In summary, this variant meets criteria to be classified as pathogenic for MPS in an autosomal recessive manner based on its presence in combination with other pathogenic variants in individuals with MPS and functional studies. ACMG/AMP Criteria applied: PM3_very-strong, PM2, PS3_moderate, PP3 (Richards 2015).

Laboratory of Diagnosis and Therapy of Lysosomal Disorders, University of Padova
Classification: Likely pathogenic for Mucopolysaccharidosis type I. Last evaluated: 2019-01-01. Review status: criteria provided, single submitter. Criteria: ACMG Guidelines, 2015. Collection method: literature only. Allele origin: germline. Affected: yes. Not counted in ClinVar's aggregate classification.
Comment: PS3: Low in vitro enzymatic activity. PM2: Very low frequency in ExAC. PP3: Multiple lines of computational evidence supporting a deleterious effect

Women's Health and Genetics/Laboratory Corporation of America, LabCorp
Classification: Pathogenic for Mucopolysaccharidosis type I. Last evaluated: 2018-04-24. Review status: criteria provided, single submitter. Criteria: LabCorp Variant Classification Summary - May 2015. Collection method: clinical testing. Allele origin: germline. Not counted in ClinVar's aggregate classification.
Comment: Variant summary: IDUA c.1487C>G (p.Pro496Arg) results in a non-conservative amino acid change in the encoded protein sequence. Five of five in-silico tools predict a damaging effect of the variant on protein function. The variant was observed with an allele frequency of 1.4e-05 in 145584 control chromosomes (gnomAD). This frequency is not significantly higher than expected for a pathogenic variant in IDUA causing Mucopolysaccharidosis Type 1 (1.4e-05 vs 0.0027), allowing no conclusion about variant significance. The variant, c.1487C>G, has been reported in the literature in multiple individuals affected with Mucopolysaccharidosis Type 1 (Beesley_2001, Bertola_2011). These data indicate that the variant is very likely to be associated with disease. At least one publication reports experimental evidence evaluating an impact on protein function. The most pronounced variant effect results in <10% of normal activity. A ClinVar submission from a clinical diagnostic laboratory (evaluation after 2014) cites the variant as "pathogenic."Based on the evidence outlined above, the variant was classified as pathogenic.

Eurofins Ntd Llc (ga)
Classification: Pathogenic. Last evaluated: 2017-03-30. Review status: criteria provided, single submitter. Criteria: EGL Classification Definitions 2015. Collection method: clinical testing. Allele origin: germline. Observed: 1 variant allele, 1 heterozygote. Not counted in ClinVar's aggregate classification.

Counsyl
Classification: Pathogenic for Hurler syndrome. Last evaluated: 2017-03-21. Review status: no assertion criteria provided. Collection method: clinical testing. Allele origin: unknown. Not counted in ClinVar's aggregate classification.

Literature cited by the submitters: PubMed 27520059 (cited by 4 submitters); PubMed 21394825 (cited by 7 submitters); PubMed 11735025 (cited by 6 submitters); PubMed 28752568 (cited by Broad Center for Mendelian Genomics, Broad Institute of MIT and Harvard); PubMed 30809705 (cited by Laboratory of Diagnosis and Therapy of Lysosomal Disorders, University of Padova); PubMed 24036510 (cited by Counsyl).

NM_000203.5(IDUA):c.1487C>G (p.Pro496Arg)

Gene: IDUA (alpha-L-iduronidase; plus strand). Cytogenetic location: 4p16.3.
Variant type: single nucleotide variant.
Coding change: c.1487C>G on transcript NM_000203.5 (MANE Select); coding-DNA position 1487, C replaced by G.
Protein change: p.Pro496Arg; replaces proline 496 with arginine.
Molecular consequence: missense variant. On other transcripts: non-coding transcript variant (1).
Genome position (GRCh38, 1-based): chr4:1,003,120, C>G. VCF-style: chr4-1003120-C-G. GRCh37 (hg19) VCF-style: chr4-996908-C-G.
Other names: NM_000203.5(IDUA):c.1487C>G; c.1091C>G, p.Pro364Arg (NM_001363576.1); short protein forms P496R, P364R.
Identifiers: ClinVar variation 496861 (VCV000496861.27), dbSNP rs772416503, ClinGen allele CA2802275.